The following is an entry in ClinVar:

ClinVar aggregate classification (germline): Likely benign. Review status: criteria provided, multiple submitters, no conflicts (2 of 4 stars). 3 submissions from 3 submitters: Likely benign (2). 1 of the submissions does not count toward it. Last evaluated 2026-04-24.

Conditions:
CIC-related disorder. Also called: CIC-related condition.

Allele frequency attached by ClinVar (database versions not stated): gnomAD 0.00006; ESP Exome Variant Server 0.00008; gnomAD exomes 0.00009; ExAC 0.00022.
gnomAD v4.1: 136 of 1,613,662 alleles (0.0084%); highest among the groups gnomAD compares: South Asian, 0.09%; 2 homozygotes.

Submissions (3):

Women's Health and Genetics/Laboratory Corporation of America, LabCorp
Classification: Likely benign. Last evaluated: 2026-04-24. Review status: criteria provided, single submitter. Criteria: LabCorp Variant Classification Summary - May 2015. Collection method: clinical testing. Allele origin: germline.

CeGaT Center for Human Genetics Tuebingen
Classification: Likely benign. Last evaluated: 2026-01-01. Review status: criteria provided, single submitter. Criteria: CeGaT Center For Human Genetics Tuebingen Variant Classification Criteria Version 2. Collection method: clinical testing. Allele origin: germline. Affected: yes. Observed: 3 variant alleles.
Comment: CIC: BP4, BP7

PreventionGenetics, part of Exact Sciences
Classification: Likely benign for CIC-related condition. Last evaluated: 2019-04-02. Review status: no assertion criteria provided. Collection method: clinical testing. Allele origin: germline. Not counted in ClinVar's aggregate classification.
Comment: This variant is classified as likely benign based on ACMG/AMP sequence variant interpretation guidelines (Richards et al. 2015 PMID: 25741868, with internal and published modifications).

NM_001386298.1(CIC):c.5988C>T (p.Pro1996=)

Gene: CIC (capicua transcriptional repressor; plus strand). Cytogenetic location: 19q13.2.
Variant type: single nucleotide variant.
Coding change: c.5988C>T on transcript NM_001386298.1 (MANE Select); coding-DNA position 5988, C replaced by T.
Protein change: p.Pro1996=; no amino-acid change (proline 1996 retained).
Molecular consequence: synonymous variant.
Genome position (GRCh38, 1-based): chr19:42,292,651, C>T. VCF-style: chr19-42292651-C-T. GRCh37 (hg19) VCF-style: chr19-42796803-C-T.
Other names: c.5988C>T, p.Pro1996= (NM_001304815.2, NM_001379480.1, NM_001379482.1 and 1 more transcripts); c.3261C>T, p.Pro1087= (NM_001379484.1, NM_001379485.1, NM_015125.5).
Identifiers: ClinVar variation 3047652 (VCV003047652.11), dbSNP rs140073507, ClinGen allele CA9472584.
Genomic context (GRCh38, chr19:42,292,651, plus strand): 5'-CGGTCAGGTGGGCGTGTCACCTGTGCCCAGTCCCCAGCTGCCGCCTGCCTGTGCAGCCCC[C>T]GGAGGTCCTGTCATAACAGCATTTTACTCTGGCAGCCCTGCACCCACCTCCTCAGCACCC-3'
Protein context (NP_001373227.1, residues 1986-2006): SPQLPPACAA[Pro1996=]GGPVITAFYS